The following is an entry in ClinVar:

NM_024577.4(SH3TC2):c.3313G>A (p.Val1105Met)

Gene: SH3TC2 (SH3 domain and tetratricopeptide repeats 2; minus strand). Cytogenetic location: 5q32.
Variant type: single nucleotide variant.
Coding change: c.3313G>A on transcript NM_024577.4 (MANE Select); coding-DNA position 3313, G replaced by A.
Protein change: p.Val1105Met; replaces valine 1105 with methionine.
Molecular consequence: missense variant.
Genome position (GRCh38, 1-based): chr5:149,010,284, C>T on the plus strand (G>A on the coding strand, the complement: SH3TC2 is on the minus strand). VCF-style: chr5-149010284-C-T. GRCh37 (hg19) VCF-style: chr5-148389847-C-T.
Other names: short protein forms V1105M.
Identifiers: ClinVar variation 448369 (VCV000448369.12), dbSNP rs750746661, ClinGen allele CA3498781.

ClinVar aggregate classification (germline): Conflicting classifications of pathogenicity. Review status: criteria provided, conflicting classifications (1 of 4 stars). 4 submissions from 4 submitters: Uncertain significance (2); Likely benign (2). Last evaluated 2025-08-17.

Conditions:
Inborn genetic diseases. Identifiers: MedGen C0950123, MeSH D030342.
SH3TC2-related disorder. Also called: SH3TC2-related disorders; SH3TC2-related condition. Identifiers: MedGen CN239303.
Charcot-Marie-Tooth disease type 4. Also called: Charcot-Marie-Tooth disease, type IV; Charcot-Marie-Tooth, Type 4. Identifiers: Orphanet 64749, MedGen C4082197, MONDO:0018995.

Allele frequency attached by ClinVar (database versions not stated): ExAC 0.00021; gnomAD 0.00001 and 0.00002; TOPMed 0.00004; gnomAD exomes 0.00006 and 0.00019.
gnomAD v4.1: 96 of 1,614,254 alleles (0.0059%); highest among the groups gnomAD compares: East Asian, 0.2%; 2 homozygotes.

Submissions (4):

PreventionGenetics, part of Exact Sciences
Classification: Likely benign for SH3TC2-related condition. Last evaluated: 2025-08-17. Review status: criteria provided, single submitter. Criteria: ACMG Guidelines, 2015. Collection method: clinical testing. Allele origin: germline.
Comment: This variant is classified as likely benign based on ACMG/AMP sequence variant interpretation guidelines (Richards et al. 2015 PMID: 25741868, with internal and published modifications).

Labcorp Genetics (formerly Invitae), Labcorp
Classification: Likely benign for Charcot-Marie-Tooth disease type 4. Last evaluated: 2025-05-12. Review status: criteria provided, single submitter. Criteria: Invitae Variant Classification Sherloc (09022015). Collection method: clinical testing. Allele origin: germline.

Ambry Genetics
Classification: Uncertain significance for Inborn genetic diseases. Last evaluated: 2023-02-17. Review status: criteria provided, single submitter. Criteria: Ambry Variant Classification Scheme 2023. Collection method: clinical testing. Allele origin: germline.

Athena Diagnostics
Classification: Uncertain significance. Last evaluated: 2017-04-10. Review status: criteria provided, single submitter. Criteria: Athena Diagnostics Criteria. Collection method: clinical testing. Allele origin: germline.

Literature cited by the submitters: PubMed 29336362 (cited by Ambry Genetics).